The following is an entry in ClinVar:

NM_006929.5(SKIC2):c.2977dup (p.Met993fs)

Gene: SKIC2 (SKI2 subunit of superkiller complex; plus strand). Cytogenetic location: 6p21.33.
Variant type: Duplication.
Coding change: c.2977dup on transcript NM_006929.5 (MANE Select); coding-DNA position 2977, one base duplicated (A; older notation c.2977dupA).
Protein change: p.Met993fs; shifts the reading frame from methionine 993.
Molecular consequence: frameshift variant.
Genome position (GRCh38, 1-based): chr6:31,968,446, A duplicated. VCF-style (leftmost placement, unchanged base first): chr6-31968445-T-TA. GRCh37 (hg19) VCF-style: chr6-31936222-T-TA.
Other names: short protein forms M993fs.
Identifiers: ClinVar variation 689443 (VCV000689443.2), dbSNP rs1582187890, ClinGen allele CA915944178.

ClinVar aggregate classification (germline): Likely pathogenic (1 of 4 stars; one submission).

Conditions:
Trichohepatoenteric syndrome 2 (THES2). Identifiers: Orphanet 84064, MedGen C3281289, MONDO:0013818, OMIM 614602.

Submission:

Johns Hopkins Genomics, Johns Hopkins University
Classification: Likely pathogenic for Trichohepatoenteric syndrome 2. Last evaluated: 2019-04-09. Review status: criteria provided, single submitter. Criteria: ACMG Guidelines, 2015. Collection method: clinical testing. Allele origin: germline.
Comment: SKIV2L c.2977dupA has not been reported in ClinVar nor the literature, to our knowledge. This variant is absent from large population datasets. This frameshift variant results in a premature stop codon in exon 25 of 28 likely leading to nonsense-mediated decay and lack of protein production. This variant is likely pathogenic in this patient.